The following is an entry in ClinVar:

ClinVar aggregate classification (germline): Uncertain significance (1 of 4 stars; one submission).

Allele frequency attached by ClinVar (database versions not stated): gnomAD exomes 0.00001 and 0.00002; TOPMed 0.00001; ExAC 0.00002; gnomAD 0.00003.
gnomAD v4.1: 33 of 1,613,924 alleles (0.002%); highest among the groups gnomAD compares: Non-Finnish European, 0.0026%; no homozygotes.

Submission:

Labcorp Genetics (formerly Invitae), Labcorp
Classification: Uncertain significance. Last evaluated: 2021-11-30. Review status: criteria provided, single submitter. Criteria: Invitae Variant Classification Sherloc (09022015). Collection method: clinical testing. Allele origin: germline.
Comment: This sequence change replaces valine, which is neutral and non-polar, with glycine, which is neutral and non-polar, at codon 593 of the ADAMTSL4 protein (p.Val593Gly). This variant is present in population databases (rs779387985, gnomAD 0.003%). This variant has not been reported in the literature in individuals affected with ADAMTSL4-related conditions. Algorithms developed to predict the effect of missense changes on protein structure and function (SIFT, PolyPhen-2, Align-GVGD) all suggest that this variant is likely to be disruptive. In summary, the available evidence is currently insufficient to determine the role of this variant in disease. Therefore, it has been classified as a Variant of Uncertain Significance.

NM_019032.6(ADAMTSL4):c.1778T>G (p.Val593Gly)

Genes: ADAMTSL4 (ADAMTS like 4; plus strand), ADAMTSL4-AS2 (ADAMTSL4 antisense RNA 2; minus strand). Cytogenetic location: 1q21.2.
Variant type: single nucleotide variant.
Coding change: c.1778T>G on transcript NM_019032.6 (MANE Select); coding-DNA position 1778, T replaced by G.
Protein change: p.Val593Gly; replaces valine 593 with glycine.
Molecular consequence: missense variant.
Genome position (GRCh38, 1-based): chr1:150,556,967, T>G. VCF-style: chr1-150556967-T-G. GRCh37 (hg19) VCF-style: chr1-150529443-T-G.
Other names: c.1847T>G, p.Val616Gly (NM_001288607.2, NM_001288608.2); c.1778T>G, p.Val593Gly (NM_001378596.1, NM_025008.5); short protein forms V616G, V593G.
Identifiers: ClinVar variation 1524492 (VCV001524492.6), dbSNP rs779387985, ClinGen allele CA1078402.